The following is an entry in ClinVar:

NC_012920.1(MT-ATP6):m.9097A>G

Gene: MT-ATP6 (mitochondrially encoded ATP synthase 6; plus strand).
Variant type: single nucleotide variant.
Genome position: chrM-9097-A-G.
Identifiers: ClinVar variation 693087 (VCV000693087.1), dbSNP rs1603222059, ClinGen allele CA414802205.
Genomic context (GRCh38, chrMT:9,097, plus strand): 5'-ATGCACCTAATTGGAAGCGCCACCCTAGCAATATCAACCATTAACCTTCCCTCTACACTT[A>G]TCATCTTCACAATTCTAATTCTACTGACTATCCTAGAAATCGCTGTCGCCTTAATCCAAG-3'

ClinVar aggregate classification (germline): Benign (1 of 4 stars; one submission).

Conditions:
Leigh syndrome (NULS). Also called: Leigh's necrotizing encephalopathy; Leigh's disease; Leigh Syndrome (mtDNA deletion); Leigh Disease; Subacute necrotizing encephalopathy; Necrotizing encephalopathy infantile subacute of Leigh. Identifiers: Orphanet 506, MedGen C2931891, MONDO:0009723, OMIM 256000.

Submission:

Wong Mito Lab, Molecular and Human Genetics, Baylor College of Medicine
Classification: Benign for Leigh syndrome. Last evaluated: 2019-10-17. Review status: criteria provided, single submitter. Criteria: Modified ACMG Guidelines (Unpublished). Collection method: clinical testing. Allele origin: germline.
Comment: The NC_012920.1:m.9097A>G (YP_003024031.1:p.Ile191Val) variant in MTATP6 gene is interpretated to be a Benign variant based on the modified ACMG guidelines (unpublished). This variant meets the following evidence codes: BS1, BS4